The following is an entry in ClinVar:

ClinVar aggregate classification (germline): Uncertain significance (1 of 4 stars; one submission).

Conditions:
Citrin deficiency. Identifiers: Orphanet 247582, MedGen C1997910, MONDO:0016602.

Submission:

Labcorp Genetics (formerly Invitae), Labcorp
Classification: Uncertain significance for Citrin deficiency. Last evaluated: 2022-10-25. Review status: criteria provided, single submitter. Criteria: Invitae Variant Classification Sherloc (09022015). Collection method: clinical testing. Allele origin: germline.
Comment: This sequence change replaces asparagine, which is neutral and polar, with serine, which is neutral and polar, at codon 652 of the SLC25A13 protein (p.Asn652Ser). This variant is not present in population databases (gnomAD no frequency). This variant has not been reported in the literature in individuals affected with SLC25A13-related conditions. Advanced modeling of protein sequence and biophysical properties (such as structural, functional, and spatial information, amino acid conservation, physicochemical variation, residue mobility, and thermodynamic stability) performed at Invitae indicates that this missense variant is not expected to disrupt SLC25A13 protein function. In summary, the available evidence is currently insufficient to determine the role of this variant in disease. Therefore, it has been classified as a Variant of Uncertain Significance.

NM_014251.3(SLC25A13):c.1955A>G (p.Asn652Ser)

Gene: SLC25A13 (solute carrier family 25 member 13; minus strand). Cytogenetic location: 7q21.3.
Variant type: single nucleotide variant.
Coding change: c.1955A>G on transcript NM_014251.3 (MANE Select); coding-DNA position 1955, A replaced by G.
Protein change: p.Asn652Ser; replaces asparagine 652 with serine.
Molecular consequence: missense variant. On other transcripts: non-coding transcript variant (1).
Genome position (GRCh38, 1-based): chr7:96,121,264, T>C on the plus strand (A>G on the coding strand, the complement: SLC25A13 is on the minus strand). VCF-style: chr7-96121264-T-C. GRCh37 (hg19) VCF-style: chr7-95750576-T-C.
Other names: c.1958A>G, p.Asn653Ser (NM_001160210.2); short protein forms N652S, N653S.
Identifiers: ClinVar variation 1996755 (VCV001996755.4), dbSNP rs2485539406, ClinGen allele CA368257186.